The following is an entry in ClinVar:

NM_001009944.3(PKD1):c.485del (p.Ala162fs)

Gene: PKD1 (polycystin 1, transient receptor potential channel interacting; minus strand). Cytogenetic location: 16p13.3.
Variant type: Deletion.
Coding change: c.485del on transcript NM_001009944.3 (MANE Select); coding-DNA position 485, one base deleted (C; older notation c.485delC).
Protein change: p.Ala162fs; shifts the reading frame from alanine 162.
Molecular consequence: frameshift variant.
Genome position (GRCh38, 1-based): chr16:2,118,720, G deleted on the plus strand (C on the coding strand, the reverse complement: PKD1 is on the minus strand). VCF-style (leftmost placement, unchanged base first): chr16-2118719-AG-A. GRCh37 (hg19) VCF-style: chr16-2168720-AG-A.
Other names: c.485del, p.Ala162fs (NM_000296.4); short protein forms A162fs.
Identifiers: ClinVar variation 4281521 (VCV004281521.7).
Genomic context (GRCh38, chr16:2,118,719, plus strand): 5'-CACCCACCGGCACTCACCACAGCCACTGTCCAGCAAGGGGATGCCAAGCAGAGGCTGGCC[AG>A]CCAGGGAGCCAGGCCCAGCACACGTGGCTGCCTCGGGCTGCACCACCCGCACCTGCTGCT-3'

ClinVar aggregate classification (germline): Pathogenic (1 of 4 stars; one submission).

Submission:

CeGaT Center for Human Genetics Tuebingen
Classification: Pathogenic. Last evaluated: 2025-09-01. Review status: criteria provided, single submitter. Criteria: CeGaT Center For Human Genetics Tuebingen Variant Classification Criteria Version 2. Collection method: clinical testing. Allele origin: germline. Affected: yes. Observed: 1 variant allele.
Comment: PKD1: PVS1, PM2, PS4:Supporting